The following is an entry in ClinVar:

NM_000321.3(RB1):c.1595T>A (p.Ile532Asn)

Gene: RB1 (RB transcriptional corepressor 1; plus strand). Cytogenetic location: 13q14.2.
Variant type: single nucleotide variant.
Coding change: c.1595T>A on transcript NM_000321.3 (MANE Select); coding-DNA position 1595, T replaced by A.
Protein change: p.Ile532Asn; replaces isoleucine 532 with asparagine.
Molecular consequence: missense variant.
Genome position (GRCh38, 1-based): chr13:48,381,343, T>A. VCF-style: chr13-48381343-T-A. GRCh37 (hg19) VCF-style: chr13-48955479-T-A.
Other names: short protein forms I532N.
Identifiers: ClinVar variation 568617 (VCV000568617.8), dbSNP rs1566199571, ClinGen allele CA388163680.

ClinVar aggregate classification (germline): Uncertain significance (1 of 4 stars; one submission).

Conditions:
Retinoblastoma (RB1). Also called: RETINOBLASTOMA, SOMATIC. Identifiers: Orphanet 790, MedGen C0035335, MeSH D012175, MONDO:0008380, OMIM 180200, HP:0009919. Disease mechanism: loss of function. Inheritance: Both sporadic and heritable forms are tested..

Submission:

Labcorp Genetics (formerly Invitae), Labcorp
Classification: Uncertain significance for Retinoblastoma. Last evaluated: 2018-02-08. Review status: criteria provided, single submitter. Criteria: Invitae Variant Classification Sherloc (09022015). Collection method: clinical testing. Allele origin: germline.
Comment: This sequence change replaces isoleucine with asparagine at codon 532 of the RB1 protein (p.Ile532Asn). The isoleucine residue is highly conserved and there is a large physicochemical difference between isoleucine and asparagine. This variant is not present in population databases (ExAC no frequency). This variant has not been reported in the literature in individuals with RB1-related disease. Algorithms developed to predict the effect of missense changes on protein structure and function (SIFT, PolyPhen-2, Align-GVGD) all suggest that this variant is likely to be disruptive, but these predictions have not been confirmed by published functional studies and their clinical significance is uncertain. In summary, the available evidence is currently insufficient to determine the role of this variant in disease. Therefore, it has been classified as a Variant of Uncertain Significance.